The following is an entry in ClinVar:

NM_018341.3(ERMARD):c.68A>G (p.Asn23Ser)

Gene: ERMARD (ER membrane associated RNA degradation; plus strand). Cytogenetic location: 6q27.
Variant type: single nucleotide variant.
Coding change: c.68A>G on transcript NM_018341.3 (MANE Select); coding-DNA position 68, A replaced by G.
Protein change: p.Asn23Ser; replaces asparagine 23 with serine.
Molecular consequence: missense variant. On other transcripts: intron variant (1).
Genome position (GRCh38, 1-based): chr6:169,753,925, A>G. VCF-style: chr6-169753925-A-G. GRCh37 (hg19) VCF-style: chr6-170154021-A-G.
Other names: c.68A>G, p.Asn23Ser (NM_001278531.2, NM_001278533.2); c.-203-1358A>G (NM_001278532.2); short protein forms N23S.
Identifiers: ClinVar variation 1418773 (VCV001418773.8), dbSNP rs770097620, ClinGen allele CA4105722.

ClinVar aggregate classification (germline): Uncertain significance (1 of 4 stars; one submission).

Allele frequency attached by ClinVar (database versions not stated): gnomAD exomes below 0.00001 and 0.00001; TOPMed below 0.00001; ExAC 0.00001; gnomAD 0.00003 and 0.00004.
gnomAD v4.1: 24 of 1,613,380 alleles (0.0015%); highest among the groups gnomAD compares: Middle Eastern, 0.016%; no homozygotes.

Submission:

Labcorp Genetics (formerly Invitae), Labcorp
Classification: Uncertain significance. Last evaluated: 2025-01-31. Review status: criteria provided, single submitter. Criteria: Invitae Variant Classification Sherloc (09022015). Collection method: clinical testing. Allele origin: germline.
Comment: This sequence change replaces asparagine, which is neutral and polar, with serine, which is neutral and polar, at codon 23 of the ERMARD protein (p.Asn23Ser). This variant is present in population databases (rs770097620, gnomAD 0.004%). This variant has not been reported in the literature in individuals affected with ERMARD-related conditions. ClinVar contains an entry for this variant (Variation ID: 1418773). An algorithm developed to predict the effect of missense changes on protein structure and function (PolyPhen-2) suggests that this variant is likely to be tolerated. In summary, the available evidence is currently insufficient to determine the role of this variant in disease. Therefore, it has been classified as a Variant of Uncertain Significance.